The following is an entry in ClinVar:

ClinVar aggregate classification (germline): Uncertain significance (1 of 4 stars; one submission).

gnomAD v4.1: 3 of 1,614,248 alleles (0.00019%); highest among the groups gnomAD compares: Non-Finnish European, 0.00025%; no homozygotes.

Submission:

Ambry Genetics
Classification: Uncertain significance. Last evaluated: 2026-07-03. Review status: criteria provided, single submitter. Criteria: Ambry Variant Classification Scheme 2023. Collection method: clinical testing. Allele origin: germline.
Comment: The c.1682G>A (p.R561H) alteration is located in exon 10 (coding exon 9) of the ATP2B2 gene. This alteration results from a G to A substitution at nucleotide position 1682, causing the arginine (R) at amino acid position 561 to be replaced by a histidine (H). Based on data from gnomAD, the A allele has an overall frequency of <0.001% (1/251442) total alleles studied. The highest observed frequency was 0.001% (1/113726) of European (non-Finnish) alleles. Based on insufficient or conflicting evidence, the clinical significance of this alteration remains unclear.

NM_001001331.4(ATP2B2):c.1817G>A (p.Arg606His)

Gene: ATP2B2 (ATPase plasma membrane Ca2+ transporting 2; minus strand). Cytogenetic location: 3p25.3.
Variant type: single nucleotide variant.
Coding change: c.1817G>A on transcript NM_001001331.4 (MANE Select); coding-DNA position 1817, G replaced by A.
Protein change: p.Arg606His; replaces arginine 606 with histidine.
Molecular consequence: missense variant.
Genome position (GRCh38, 1-based): chr3:10,359,966, C>T on the plus strand (G>A on the coding strand, the complement: ATP2B2 is on the minus strand). VCF-style: chr3-10359966-C-T. GRCh37 (hg19) VCF-style: chr3-10401650-C-T.
Other names: c.1682G>A, p.Arg561His (NM_001330611.3, NM_001353564.1, NM_001363862.1 and 2 more transcripts); c.1724G>A, p.Arg575His (NM_001438646.1); short protein forms R561H, R575H, R606H.
Identifiers: ClinVar variation 5032350 (VCV005032350.1).